The following is an entry in ClinVar:

ClinVar aggregate classification (germline): Likely benign (1 of 4 stars; one submission).

gnomAD v4.1: 6 of 1,604,354 alleles (0.00037%); highest among the groups gnomAD compares: African/African-American, 0.0013%; no homozygotes.

Submission:

CeGaT Center for Human Genetics Tuebingen
Classification: Likely benign. Last evaluated: 2024-09-01. Review status: criteria provided, single submitter. Criteria: CeGaT Center For Human Genetics Tuebingen Variant Classification Criteria Version 2. Collection method: clinical testing. Allele origin: germline. Affected: yes. Observed: 1 variant allele.
Comment: MYH14: BP4, BP7

NM_001145809.2(MYH14):c.5142G>A (p.Glu1714=)

Gene: MYH14 (myosin heavy chain 14; plus strand). Cytogenetic location: 19q13.33.
Variant type: single nucleotide variant.
Coding change: c.5142G>A on transcript NM_001145809.2 (MANE Select); coding-DNA position 5142, G replaced by A.
Protein change: p.Glu1714=; no amino-acid change (glutamic acid 1714 retained).
Molecular consequence: synonymous variant.
Genome position (GRCh38, 1-based): chr19:50,292,275, G>A. VCF-style: chr19-50292275-G-A. GRCh37 (hg19) VCF-style: chr19-50795532-G-A.
Other names: c.5019G>A, p.Glu1673= (NM_024729.4); c.5043G>A, p.Glu1681= (NM_001077186.2).
Identifiers: ClinVar variation 3389410 (VCV003389410.14).